The following is an entry in ClinVar:

ClinVar aggregate classification (germline): Uncertain significance (1 of 4 stars; one submission).

Conditions:
Inborn genetic diseases. Identifiers: MedGen C0950123, MeSH D030342.

Submission:

Ambry Genetics
Classification: Uncertain significance for Inborn genetic diseases. Last evaluated: 2025-02-14. Review status: criteria provided, single submitter. Criteria: Ambry Variant Classification Scheme 2023. Collection method: clinical testing. Allele origin: germline.
Comment: The p.A502T variant (also known as c.1504G>A), located in coding exon 12 of the ASXL1 gene, results from a G to A substitution at nucleotide position 1504. The alanine at codon 502 is replaced by threonine, an amino acid with similar properties. This amino acid position is conserved. In addition, this alteration is predicted to be tolerated by in silico analysis. Based on the available evidence, the clinical significance of this variant remains unclear.

NM_015338.6(ASXL1):c.1504G>A (p.Ala502Thr)

Gene: ASXL1 (ASXL transcriptional regulator 1; plus strand). Cytogenetic location: 20q11.21.
Variant type: single nucleotide variant.
Coding change: c.1504G>A on transcript NM_015338.6 (MANE Select); coding-DNA position 1504, G replaced by A.
Protein change: p.Ala502Thr; replaces alanine 502 with threonine.
Molecular consequence: missense variant.
Genome position (GRCh38, 1-based): chr20:32,433,702, G>A. VCF-style: chr20-32433702-G-A. GRCh37 (hg19) VCF-style: chr20-31021505-G-A.
Other names: c.1321G>A, p.Ala441Thr (NM_001363734.1); short protein forms A441T, A502T.
Identifiers: ClinVar variation 3793522 (VCV003793522.1).